The following is an entry in ClinVar:

ClinVar aggregate classification (germline): Likely benign. Review status: reviewed by expert panel (3 of 4 stars). 6 submissions from 6 submitters: Likely benign (1). 5 of the submissions do not count toward it. Last evaluated 2024-05-03.

Conditions:
Primary pulmonary hypertension. Also called: Idiopathic pulmonary hypertension. Identifiers: MedGen C0152171.
Pulmonary arterial hypertension. Identifiers: Orphanet 182090, MedGen C2973725, MeSH D000081029, MONDO:0015924, HP:0002092.
BMPR2-related disorder. Also called: BMPR2-related condition; BMPR2-related disorders.
Pulmonary hypertension, primary, 1 (PPH1). Also called: Pulmonary hypertension, familial primary, 1, with or without HHT. Identifiers: Orphanet 422, MedGen C4552070, MONDO:0024533, OMIM 178600.

Allele frequency attached by ClinVar (database versions not stated): gnomAD exomes 0.00010 and 0.00019; ExAC 0.00013; TOPMed 0.00005; gnomAD 0.00023 and 0.00024.
gnomAD v4.1: 190 of 1,614,222 alleles (0.012%); highest among the groups gnomAD compares: Admixed American, 0.035%; no homozygotes.

Submissions (6):

Clingen Pulmonary Hypertension Variant Curation Expert Panel, ClinGen
Classification: Likely benign for Pulmonary arterial hypertension. Last evaluated: 2024-05-03. Review status: reviewed by expert panel. Criteria: ClinGen PH ACMG Specifications BMPR2 V1.1.0. Collection method: curation. Allele origin: germline. Inheritance: Autosomal dominant inheritance.
Comment: The BMPR2 c.1766A>G variant is a missense variant predicted to result in a tyrosine to cysteine substitution at amino acid 589 (p.Tyr589Cys). The minor allele frequency in gnomAD v2.1.1 controls at a frequency of 0.001511 (22/14,556 alleles) which is above the cut-off of 0.1% for PAH (BS1 met). The variant is located outside of the critical extracellular and kinase domains of BMPR2 (PM1 not met). The REVEL score is 0.577, not exceeding the threshold of >=0.75 (PP3 not met) or <=0.25 (BP4 not met). No functional data was available and SpliceAI does not predict an effect on splicing. In summary, the variant meets the criteria to be classified as likely benign for pulmonary arterial hypertension based on the ACMG/AMP criteria applied, as specified by the ClinGen Pulmonary Hypertension VCEP: BS1 (VCEP specification version 1.1, 1/18/2024).

Mayo Clinic Laboratories, Mayo Clinic
Classification: Likely benign. Last evaluated: 2025-10-30. Review status: criteria provided, single submitter. Criteria: ACMG Guidelines, 2015. Collection method: clinical testing. Allele origin: germline. Observed: 1 variant allele. Not counted in ClinVar's aggregate classification.
Comment: BS1

Labcorp Genetics (formerly Invitae), Labcorp
Classification: Likely benign for Primary pulmonary hypertension. Last evaluated: 2025-04-11. Review status: criteria provided, single submitter. Criteria: Invitae Variant Classification Sherloc (09022015). Collection method: clinical testing. Allele origin: germline. Not counted in ClinVar's aggregate classification.

Illumina Laboratory Services, Illumina
Classification: Benign for Pulmonary hypertension, primary, 1. Last evaluated: 2017-11-21. Review status: criteria provided, single submitter. Criteria: ICSL Variant Classification Criteria 13 December 2019. Collection method: clinical testing. Allele origin: germline. Not counted in ClinVar's aggregate classification.
Comment: This variant was observed as part of a predisposition screen in an ostensibly healthy population. A literature search was performed for the gene, cDNA change, and amino acid change (where applicable). Publications were found based on this search. The evidence from the literature, in combination with allele frequency data from public databases where available, was sufficient to rule this variant out of causing disease. Therefore, this variant is classified as benign.

PreventionGenetics, part of Exact Sciences
Classification: Likely benign for BMPR2-related condition. Last evaluated: 2023-05-14. Review status: no assertion criteria provided. Collection method: clinical testing. Allele origin: germline. Not counted in ClinVar's aggregate classification.
Comment: This variant is classified as likely benign based on ACMG/AMP sequence variant interpretation guidelines (Richards et al. 2015 PMID: 25741868, with internal and published modifications).

Rare Disease Genomics Group, St George's University of London
Classification: Uncertain significance for Primary pulmonary hypertension. Review status: no assertion criteria provided. Collection method: literature only. Allele origin: germline. Affected: yes. Not counted in ClinVar's aggregate classification.

Literature cited by the submitters: PubMed 21070126 (cited by 3 submitters); PubMed 34426522 (cited by Mayo Clinic Laboratories, Mayo Clinic); PubMed 26387786 (cited by Illumina Laboratory Services, Illumina and Rare Disease Genomics Group, St George's University of London).

NM_001204.7(BMPR2):c.1766A>G (p.Tyr589Cys)

Gene: BMPR2 (bone morphogenetic protein receptor type 2; plus strand). Cytogenetic location: 2q33.2.
Variant type: single nucleotide variant.
Coding change: c.1766A>G on transcript NM_001204.7 (MANE Select); coding-DNA position 1766, A replaced by G.
Protein change: p.Tyr589Cys; replaces tyrosine 589 with cysteine.
Molecular consequence: missense variant.
Genome position (GRCh38, 1-based): chr2:202,555,431, A>G. VCF-style: chr2-202555431-A-G. GRCh37 (hg19) VCF-style: chr2-203420154-A-G.
Other names: NM_001204.7(BMPR2):c.1766A>G; p.Tyr589Cys; c.1766A>G (LRG_712t1); short protein forms Y589C.
Identifiers: ClinVar variation 425966 (VCV000425966.17), dbSNP rs199915496, ClinGen allele CA2061448.